The following is an entry in ClinVar:

NM_012144.4(DNAI1):c.178G>A (p.Ala60Thr)

Gene: DNAI1 (dynein axonemal intermediate chain 1; plus strand). Cytogenetic location: 9p13.3.
Variant type: single nucleotide variant.
Coding change: c.178G>A on transcript NM_012144.4 (MANE Select); coding-DNA position 178, G replaced by A.
Protein change: p.Ala60Thr; replaces alanine 60 with threonine.
Molecular consequence: missense variant.
Genome position (GRCh38, 1-based): chr9:34,485,238, G>A. VCF-style: chr9-34485238-G-A. GRCh37 (hg19) VCF-style: chr9-34485236-G-A.
Other names: c.178G>A, p.Ala60Thr (NM_001281428.2); short protein forms A60T.
Identifiers: ClinVar variation 2155242 (VCV002155242.2), dbSNP rs1824447219, ClinGen allele CA373242231.

ClinVar aggregate classification (germline): Uncertain significance (1 of 4 stars; one submission).

Conditions:
Primary ciliary dyskinesia. Also called: Ciliary dyskinesia. Identifiers: Orphanet 244, MedGen C0008780, MONDO:0016575, HP:0012265.

Allele frequency attached by ClinVar (database versions not stated): gnomAD exomes 0.00001.
gnomAD v4.1: 4 of 1,614,180 alleles (0.00025%); highest among the groups gnomAD compares: Non-Finnish European, 0.00034%; no homozygotes.

Submission:

Labcorp Genetics (formerly Invitae), Labcorp
Classification: Uncertain significance for Primary ciliary dyskinesia. Last evaluated: 2024-01-22. Review status: criteria provided, single submitter. Criteria: Invitae Variant Classification Sherloc (09022015). Collection method: clinical testing. Allele origin: germline.
Comment: This sequence change replaces alanine, which is neutral and non-polar, with threonine, which is neutral and polar, at codon 60 of the DNAI1 protein (p.Ala60Thr). This variant is not present in population databases (gnomAD no frequency). This variant has not been reported in the literature in individuals affected with DNAI1-related conditions. ClinVar contains an entry for this variant (Variation ID: 2155242). An algorithm developed to predict the effect of missense changes on protein structure and function (PolyPhen-2) suggests that this variant¬†is likely to be tolerated. In summary, the available evidence is currently insufficient to determine the role of this variant in disease. Therefore, it has been classified as a Variant of Uncertain Significance.